The following is an entry in ClinVar:

NM_181486.4(TBX5):c.463T>C (p.Phe155Leu)

Gene: TBX5 (T-box transcription factor 5; minus strand). Cytogenetic location: 12q24.21.
Variant type: single nucleotide variant.
Coding change: c.463T>C on transcript NM_181486.4 (MANE Select); coding-DNA position 463, T replaced by C.
Protein change: p.Phe155Leu; replaces phenylalanine 155 with leucine.
Molecular consequence: missense variant.
Genome position (GRCh38, 1-based): chr12:114,398,620, A>G on the plus strand (T>C on the coding strand, the complement: TBX5 is on the minus strand). VCF-style: chr12-114398620-A-G. GRCh37 (hg19) VCF-style: chr12-114836425-A-G.
Other names: c.463T>C, p.Phe155Leu (NM_000192.3); c.313T>C, p.Phe105Leu (NM_080717.4); short protein forms F105L, F155L.
Identifiers: ClinVar variation 3901469 (VCV003901469.1).
Genomic context (GRCh38, chr12:114,398,620, plus strand): 5'-CCACGGTACTCACATGCCCAAATGGGTCCAGGTGGTTGTTGGTGAGCTTGAGTTTCTGGA[A>G]GGAGACGAGCTGCCTCATCCAATGCGCCCCGGTGGCGGGGGAGTCTGGGTGCACGTACAG-3'
Protein context (NP_852259.1, residues 145-165): GAHWMRQLVS[Phe155Leu]QKLKLTNNHL

ClinVar aggregate classification (germline): Uncertain significance (1 of 4 stars; one submission).

Submission:

GeneDx
Classification: Uncertain significance. Last evaluated: 2024-12-09. Review status: criteria provided, single submitter. Criteria: GeneDx Variant Classification Process June 2021. Collection method: clinical testing. Allele origin: germline. Affected: yes.
Comment: Not observed at significant frequency in large population cohorts (gnomAD); In silico analysis supports that this missense variant has a deleterious effect on protein structure/function; Has not been previously published as pathogenic or benign to our knowledge